The following is an entry in ClinVar:

NM_001252024.2(TRPM1):c.4791T>C (p.Ser1597=)

Gene: TRPM1 (transient receptor potential cation channel subfamily M member 1; minus strand). Cytogenetic location: 15q13.3.
Variant type: single nucleotide variant.
Coding change: c.4791T>C on transcript NM_001252024.2 (MANE Select); coding-DNA position 4791, T replaced by C.
Protein change: p.Ser1597=; no amino-acid change (serine 1597 retained).
Molecular consequence: synonymous variant.
Genome position (GRCh38, 1-based): chr15:31,001,909, A>G on the plus strand (T>C on the coding strand, the complement: TRPM1 is on the minus strand). VCF-style: chr15-31001909-A-G. GRCh37 (hg19) VCF-style: chr15-31294112-A-G.
Other names: c.4842T>C, p.Ser1614= (NM_001252020.2); c.4725T>C, p.Ser1575= (NM_002420.6).
Identifiers: ClinVar variation 4987648 (VCV004987648.1).

ClinVar aggregate classification (germline): Likely benign (1 of 4 stars; one submission).

Conditions:
TRPM1-related disorder. Also called: TRPM1-related condition.

gnomAD v4.1: 82 of 1,614,134 alleles (0.0051%); highest among the groups gnomAD compares: Non-Finnish European, 0.0065%; no homozygotes.

Submission:

PreventionGenetics, part of Exact Sciences
Classification: Likely benign for TRPM1-related condition. Last evaluated: 2025-12-22. Review status: criteria provided, single submitter. Criteria: ACMG Guidelines, 2015. Collection method: clinical testing. Allele origin: germline.
Comment: This variant is classified as likely benign based on ACMG/AMP sequence variant interpretation guidelines (Richards et al. 2015 PMID: 25741868, with internal and published modifications).